The following is an entry in ClinVar:

ClinVar aggregate classification (germline): Conflicting classifications of pathogenicity. Review status: criteria provided, conflicting classifications (1 of 4 stars). 6 submissions from 6 submitters: Uncertain significance (5); Likely benign (1). Last evaluated 2026-01-20.

Conditions:
Hereditary cancer-predisposing syndrome. Also called: Neoplastic Syndromes, Hereditary; Tumor predisposition; Hereditary Cancer Syndrome; Hereditary neoplastic syndrome. Identifiers: Orphanet 140162, MedGen C0027672, MeSH D009386, MONDO:0015356.

Allele frequency attached by ClinVar (database versions not stated): gnomAD below 0.00001 and 0.00001; TOPMed below 0.00001.
gnomAD v4.1: 13 of 1,610,422 alleles (0.00081%); highest among the groups gnomAD compares: Admixed American, 0.0067%; no homozygotes.

Submissions (6):

Labcorp Genetics (formerly Invitae), Labcorp
Classification: Uncertain significance. Last evaluated: 2026-01-20. Review status: criteria provided, single submitter. Criteria: Invitae Variant Classification Sherloc (09022015). Collection method: clinical testing. Allele origin: germline.
Comment: This sequence change replaces arginine, which is basic and polar, with glutamine, which is neutral and polar, at codon 59 of the NTHL1 protein (p.Arg59Gln). This variant is present in population databases (rs773364076, gnomAD 0.006%). This variant has not been reported in the literature in individuals affected with NTHL1-related conditions. ClinVar contains an entry for this variant (Variation ID: 650520). An algorithm developed to predict the effect of missense changes on protein structure and function outputs the following: PolyPhen-2: "Benign". The glutamine amino acid residue is found in multiple mammalian species, which suggests that this missense change does not adversely affect protein function. In summary, the available evidence is currently insufficient to determine the role of this variant in disease. Therefore, it has been classified as a Variant of Uncertain Significance.

Ambry Genetics
Classification: Likely benign for Hereditary cancer-predisposing syndrome. Last evaluated: 2025-06-20. Review status: criteria provided, single submitter. Criteria: Ambry Variant Classification Scheme 2023. Collection method: clinical testing. Allele origin: germline.

Mayo Clinic Laboratories, Mayo Clinic
Classification: Uncertain significance. Last evaluated: 2025-03-11. Review status: criteria provided, single submitter. Criteria: ACMG Guidelines, 2015. Collection method: clinical testing. Allele origin: germline. Observed: 1 variant allele.
Comment: BP4_strong

Quest Diagnostics Nichols Institute San Juan Capistrano
Classification: Uncertain significance. Last evaluated: 2024-08-22. Review status: criteria provided, single submitter. Criteria: Quest Diagnostics criteria. Collection method: clinical testing. Allele origin: unknown.
Comment: The NTHL1 c.176G>A (p.Arg59Gln) variant has not been reported in individuals with NTHL1-related conditions in the published literature. The frequency of this variant in the general population, 0.00002 (5/250044 chromosomes (Genome Aggregation Database)), is uninformative in the assessment of its pathogenicity. Analysis of this variant using bioinformatics tools for the prediction of the effect of amino acid changes on protein structure and function yielded predictions that this variant is benign. Based on the available information, we are unable to determine the clinical significance of this variant.

GeneDx
Classification: Uncertain significance. Last evaluated: 2022-11-15. Review status: criteria provided, single submitter. Criteria: GeneDx Variant Classification Process June 2021. Collection method: clinical testing. Allele origin: germline. Affected: yes.
Comment: Not observed at significant frequency in large population cohorts (gnomAD); In silico analysis supports that this missense variant does not alter protein structure/function; Has not been previously published as pathogenic or benign to our knowledge; This variant is associated with the following publications: (PMID: 8990169, 9045706, 9705289)

Sema4
Classification: Uncertain significance for Hereditary cancer-predisposing syndrome. Last evaluated: 2022-01-12. Review status: criteria provided, single submitter. Criteria: Sema4 Curation Guidelines. Collection method: curation. Allele origin: germline.
Comment: To the best of our knowledge, the NTHL1 c.176G>A (p.R59Q) variant has not been reported in individuals with NTHL1-related disease. It was observed in 5/250044 chromosomes across the large and broad cohorts of the Genome Aggregation Database (PMID: 32461654). The variant has been reported in ClinVar (Variation ID 650520). In silico tools suggest the impact of the variant on protein function is benign though these predictions have not been confirmed by functional studies. The evidence is insufficient to meet ACMG/AMP criteria for classifying the variant as benign or pathogenic. Thus, the clinical significance of this variant is currently uncertain.

NM_002528.7(NTHL1):c.152G>A (p.Arg51Gln)

Gene: NTHL1 (nth like DNA glycosylase 1; minus strand). Cytogenetic location: 16p13.3.
Variant type: single nucleotide variant.
Coding change: c.152G>A on transcript NM_002528.7 (MANE Select); coding-DNA position 152, G replaced by A.
Protein change: p.Arg51Gln; replaces arginine 51 with glutamine.
Molecular consequence: missense variant. On other transcripts: 5 prime UTR variant (1).
Genome position (GRCh38, 1-based): chr16:2,046,330, C>T on the plus strand (G>A on the coding strand, the complement: NTHL1 is on the minus strand). VCF-style: chr16-2046330-C-T. GRCh37 (hg19) VCF-style: chr16-2096331-C-T.
Other names: p.Arg51Gln; c.152G>A, p.Arg51Gln (LRG_1366t1, NM_001318193.2); c.-27G>A (NM_001318194.2); short protein forms R51Q.
Identifiers: ClinVar variation 650520 (VCV000650520.19), dbSNP rs773364076, ClinGen allele CA7828354.
Genomic context (GRCh38, chr16:2,046,330, plus strand): 5'-GCCCCCTCACCTTTCTCACTGTCCGAGCCCTCATAGGCCACACGCAGTCTCTGTGCTTTC[C>T]GCGGACGCTTCACGGGGCTGTGGCTTTTCCTCGCTTCTGCAAAAAGCACCACGCAGTCCC-3'
Protein context (NP_002519.2, residues 41-61): RKSHSPVKRP[Arg51Gln]KAQRLRVAYE